The following is an entry in ClinVar:

NM_138694.4(PKHD1):c.11878G>A (p.Val3960Ile)

Gene: PKHD1 (PKHD1 ciliary IPT domain containing fibrocystin/polyductin; minus strand). Cytogenetic location: 6p12.3.
Variant type: single nucleotide variant.
Coding change: c.11878G>A on transcript NM_138694.4 (MANE Select); coding-DNA position 11878, G replaced by A.
Protein change: p.Val3960Ile; replaces valine 3960 with isoleucine.
Molecular consequence: missense variant.
Genome position (GRCh38, 1-based): chr6:51,619,428, C>T on the plus strand (G>A on the coding strand, the complement: PKHD1 is on the minus strand). VCF-style: chr6-51619428-C-T. GRCh37 (hg19) VCF-style: chr6-51484226-C-T.
Other names: short protein forms V3960I.
Identifiers: ClinVar variation 96375 (VCV000096375.57), dbSNP rs34548196, ClinGen allele CA149486.

ClinVar aggregate classification (germline): Benign/Likely benign. Review status: criteria provided, multiple submitters, no conflicts (2 of 4 stars). 13 submissions from 13 submitters: Benign (8); Likely benign (2). 3 of the submissions do not count toward it. Last evaluated 2026-09-01.

Conditions:
Polycystic kidney disease 4 (PKD4). Also called: POLYCYSTIC KIDNEY AND HEPATIC DISEASE 1; POLYCYSTIC KIDNEY DISEASE, INFANTILE, TYPE I; POLYCYSTIC KIDNEY DISEASE 4 WITH OR WITHOUT POLYCYSTIC LIVER DISEASE; Autosomal Recessive Polycystic Kidney Disease – PKHD1; PKD3. Identifiers: MedGen C4540575, MONDO:0033004, OMIM 263200.
Autosomal recessive polycystic kidney disease (ARPKD). Also called: AR polycystic kidney disease. Identifiers: Orphanet 731, Orphanet 8378, MedGen C0085548, MeSH D017044, MONDO:0009889.

Allele frequency attached by ClinVar (database versions not stated): gnomAD 0.01161 and 0.01175; ExAC 0.01417; TOPMed 0.01135; 1000 Genomes Project 30x 0.00953; ESP Exome Variant Server 0.01253; gnomAD exomes 0.01439 and 0.01824; 1000 Genomes Project 0.00919.
gnomAD v4.1: 28,213 of 1,613,762 alleles (1.7%); highest among the groups gnomAD compares: Non-Finnish European, 2%; 297 homozygotes.

Submissions (13):

CeGaT Center for Human Genetics Tuebingen
Classification: Benign. Last evaluated: 2026-09-01. Review status: criteria provided, single submitter. Criteria: CeGaT Center For Human Genetics Tuebingen Variant Classification Criteria Version 2. Collection method: clinical testing. Allele origin: germline. Affected: yes. Observed: 19 variant alleles.
Comment: PKHD1: BP4, BS1, BS2

Labcorp Genetics (formerly Invitae), Labcorp
Classification: Benign for Autosomal recessive polycystic kidney disease. Last evaluated: 2026-02-04. Review status: criteria provided, single submitter. Criteria: Invitae Variant Classification Sherloc (09022015). Collection method: clinical testing. Allele origin: germline.

Blueprint Genetics
Classification: Benign. Last evaluated: 2024-11-26. Review status: criteria provided, single submitter. Criteria: ACMG Guidelines, 2015. Collection method: clinical testing. Allele origin: germline.

Department of Pathology and Laboratory Medicine, Sinai Health System
Classification: Benign for Polycystic kidney disease 4. Last evaluated: 2022-09-15. Review status: criteria provided, single submitter. Criteria: ACMG Guidelines, 2015. Collection method: clinical testing. Allele origin: germline. Affected: yes.

GeneDx
Classification: Benign. Last evaluated: 2021-02-12. Review status: criteria provided, single submitter. Criteria: GeneDx Variant Classification Process June 2021. Collection method: clinical testing. Allele origin: germline. Affected: yes.
Comment: This variant is associated with the following publications: (PMID: 26695994)

Mayo Clinic Laboratories, Mayo Clinic
Classification: Benign. Last evaluated: 2018-08-31. Review status: criteria provided, single submitter. Criteria: ACMG Guidelines, 2015. Collection method: clinical testing. Allele origin: germline. Observed: 12 variant alleles.

Illumina Laboratory Services, Illumina
Classification: Likely benign for Polycystic kidney disease 4. Last evaluated: 2018-01-12. Review status: criteria provided, single submitter. Criteria: ICSL Variant Classification Criteria 13 December 2019. Collection method: clinical testing. Allele origin: germline.
Comment: This variant was observed in the ICSL laboratory as part of a predisposition screen in an ostensibly healthy population. It had not been previously curated by ICSL or reported in the Human Gene Mutation Database (HGMD: prior to June 1st, 2018), and was therefore a candidate for classification through an automated scoring system. Utilizing variant allele frequency, disease prevalence and penetrance estimates, and inheritance mode, an automated score was calculated to assess if this variant is too frequent to cause the disease. Based on the score and internal cut-off values, a variant classified as likely benign is not then subjected to further curation. The score for this variant resulted in a classification of likely benign for this disease.

Eurofins Ntd Llc (ga)
Classification: Benign. Last evaluated: 2016-02-04. Review status: criteria provided, single submitter. Criteria: EGL Classification Definitions 2015. Collection method: clinical testing. Allele origin: germline. Observed: 5 variant alleles, 5 heterozygotes.

Breakthrough Genomics
Classification: Likely benign. Review status: criteria provided, single submitter. Criteria: ACMG Guidelines, 2015. Collection method: not provided. Allele origin: germline. Inheritance: Autosomal recessive inheritance. Affected: yes.

PreventionGenetics, part of Exact Sciences
Classification: Benign. Review status: criteria provided, single submitter. Criteria: ACMG Guidelines, 2015. Collection method: clinical testing. Allele origin: germline.

Natera, Inc.
Classification: Benign for Autosomal recessive polycystic kidney disease. Last evaluated: 2017-05-11. Review status: no assertion criteria provided. Collection method: clinical testing. Allele origin: germline. Not counted in ClinVar's aggregate classification.

Genome Diagnostics Laboratory, University Medical Center Utrecht
Classification: Benign. Review status: no assertion criteria provided. Collection method: clinical testing. Allele origin: germline. Affected: yes. Study: VKGL Data-share Consensus. Not counted in ClinVar's aggregate classification.

Laboratory of Diagnostic Genome Analysis, Leiden University Medical Center (LUMC)
Classification: Benign. Review status: no assertion criteria provided. Collection method: clinical testing. Allele origin: germline. Affected: yes. Study: VKGL Data-share Consensus. Not counted in ClinVar's aggregate classification.